The following is an entry in ClinVar:

ClinVar aggregate classification (germline): Uncertain significance (1 of 4 stars; one submission).

Conditions:
Emery-Dreifuss muscular dystrophy 5, autosomal dominant (EDMD5). Also called: EMERY-DREIFUSS MUSCULAR DYSTROPHY 5. Identifiers: Orphanet 261, MedGen C2751805, MONDO:0013072, OMIM 612999.

gnomAD v4.1: 1 of 1,614,186 alleles (0.000062%); highest among the groups gnomAD compares: Non-Finnish European, 0.000085%; no homozygotes.

Submission:

Labcorp Genetics (formerly Invitae), Labcorp
Classification: Uncertain significance for Emery-Dreifuss muscular dystrophy 5, autosomal dominant. Last evaluated: 2022-07-05. Review status: criteria provided, single submitter. Criteria: Invitae Variant Classification Sherloc (09022015). Collection method: clinical testing. Allele origin: germline.
Comment: ClinVar contains an entry for this variant (Variation ID: 1400796). In summary, the available evidence is currently insufficient to determine the role of this variant in disease. Therefore, it has been classified as a Variant of Uncertain Significance. Algorithms developed to predict the effect of missense changes on protein structure and function output the following: SIFT: "Tolerated"; PolyPhen-2: "Benign"; Align-GVGD: "Class C0". The threonine amino acid residue is found in multiple mammalian species, which suggests that this missense change does not adversely affect protein function. This variant has not been reported in the literature in individuals affected with SYNE2-related conditions. This variant is not present in population databases (gnomAD no frequency). This sequence change replaces serine, which is neutral and polar, with threonine, which is neutral and polar, at codon 1318 of the SYNE2 protein (p.Ser1318Thr).

NM_182914.3(SYNE2):c.3953G>C (p.Ser1318Thr)

Gene: SYNE2 (spectrin repeat containing nuclear envelope protein 2; plus strand). Cytogenetic location: 14q23.2.
Variant type: single nucleotide variant.
Coding change: c.3953G>C on transcript NM_182914.3 (MANE Select); coding-DNA position 3953, G replaced by C.
Protein change: p.Ser1318Thr; replaces serine 1318 with threonine.
Molecular consequence: missense variant.
Genome position (GRCh38, 1-based): chr14:64,002,886, G>C. VCF-style: chr14-64002886-G-C. GRCh37 (hg19) VCF-style: chr14-64469604-G-C.
Other names: c.3953G>C, p.Ser1318Thr (NM_015180.6); short protein forms S1318T.
Identifiers: ClinVar variation 1400796 (VCV001400796.8), dbSNP rs2153505738, ClinGen allele CA389997175.